The following is an entry in ClinVar:

NM_001375524.1(TRRAP):c.2773A>G (p.Thr925Ala)

Gene: TRRAP (transformation/transcription domain associated protein; plus strand). Cytogenetic location: 7q22.1.
Variant type: single nucleotide variant.
Coding change: c.2773A>G on transcript NM_001375524.1 (MANE Select); coding-DNA position 2773, A replaced by G.
Protein change: p.Thr925Ala; replaces threonine 925 with alanine.
Molecular consequence: missense variant.
Genome position (GRCh38, 1-based): chr7:98,921,903, A>G. VCF-style: chr7-98921903-A-G. GRCh37 (hg19) VCF-style: chr7-98519526-A-G.
Other names: c.2773A>G, p.Thr925Ala (NM_001244580.2, NM_003496.4); short protein forms T925A.
Identifiers: ClinVar variation 1896261 (VCV001896261.29), dbSNP rs782679108, ClinGen allele CA4359831.

ClinVar aggregate classification (germline): Conflicting classifications of pathogenicity. Review status: criteria provided, conflicting classifications (1 of 4 stars). 2 submissions from 2 submitters: Uncertain significance (1); Likely benign (1). Last evaluated 2024-11-03.

Allele frequency attached by ClinVar (database versions not stated): ExAC 0.00001; TOPMed 0.00002; gnomAD 0.00004; gnomAD exomes 0.00004.
gnomAD v4.1: 68 of 1,614,100 alleles (0.0042%); highest among the groups gnomAD compares: Non-Finnish European, 0.0049%; no homozygotes.

Submissions (2):

Labcorp Genetics (formerly Invitae), Labcorp
Classification: Uncertain significance. Last evaluated: 2024-11-03. Review status: criteria provided, single submitter. Criteria: Invitae Variant Classification Sherloc (09022015). Collection method: clinical testing. Allele origin: germline.
Comment: This sequence change replaces threonine, which is neutral and polar, with alanine, which is neutral and non-polar, at codon 925 of the TRRAP protein (p.Thr925Ala). This variant is present in population databases (rs782679108, gnomAD 0.003%). This variant has not been reported in the literature in individuals affected with TRRAP-related conditions. ClinVar contains an entry for this variant (Variation ID: 1896261). Invitae Evidence Modeling of protein sequence and biophysical properties (such as structural, functional, and spatial information, amino acid conservation, physicochemical variation, residue mobility, and thermodynamic stability) indicates that this missense variant is not expected to disrupt TRRAP protein function with a negative predictive value of 80%. In summary, the available evidence is currently insufficient to determine the role of this variant in disease. Therefore, it has been classified as a Variant of Uncertain Significance.

CeGaT Center for Human Genetics Tuebingen
Classification: Likely benign. Last evaluated: 2022-03-01. Review status: criteria provided, single submitter. Criteria: CeGaT Center For Human Genetics Tuebingen Variant Classification Criteria Version 2. Collection method: clinical testing. Allele origin: germline. Affected: yes. Observed: 1 variant allele.
Comment: TRRAP: PM2:Supporting, PP2, BS2